The following is an entry in ClinVar:

ClinVar aggregate classification (germline): Uncertain significance (1 of 4 stars; one submission).

Conditions:
Autoimmune interstitial lung disease-arthritis syndrome. Also called: Autoinflammation and autoimmunity, systemic, with immune dysregulation. Identifiers: Orphanet 444092, MedGen C5975714, MONDO:0014629.

Allele frequency attached by ClinVar (database versions not stated): TOPMed below 0.00001; gnomAD 0.00001; gnomAD exomes 0.00001.
gnomAD v4.1: 16 of 1,614,122 alleles (0.00099%); highest among the groups gnomAD compares: African/African-American, 0.0027%; no homozygotes.

Submission:

Labcorp Genetics (formerly Invitae), Labcorp
Classification: Uncertain significance for Autoimmune interstitial lung disease-arthritis syndrome. Last evaluated: 2022-06-20. Review status: criteria provided, single submitter. Criteria: Invitae Variant Classification Sherloc (09022015). Collection method: clinical testing. Allele origin: germline.
Comment: In summary, the available evidence is currently insufficient to determine the role of this variant in disease. Therefore, it has been classified as a Variant of Uncertain Significance. Algorithms developed to predict the effect of missense changes on protein structure and function are either unavailable or do not agree on the potential impact of this missense change (SIFT: "Deleterious"; PolyPhen-2: "Benign"; Align-GVGD: "Class C0"). ClinVar contains an entry for this variant (Variation ID: 1017187). This variant has not been reported in the literature in individuals affected with COPA-related conditions. This variant is not present in population databases (gnomAD no frequency). This sequence change replaces cysteine, which is neutral and slightly polar, with arginine, which is basic and polar, at codon 453 of the COPA protein (p.Cys453Arg).

NM_004371.4(COPA):c.1357T>C (p.Cys453Arg)

Gene: COPA (coat protein complex I subunit alpha; minus strand). Cytogenetic location: 1q23.2.
Variant type: single nucleotide variant.
Coding change: c.1357T>C on transcript NM_004371.4 (MANE Select); coding-DNA position 1357, T replaced by C.
Protein change: p.Cys453Arg; replaces cysteine 453 with arginine.
Molecular consequence: missense variant.
Genome position (GRCh38, 1-based): chr1:160,306,439, A>G on the plus strand (T>C on the coding strand, the complement: COPA is on the minus strand). VCF-style: chr1-160306439-A-G. GRCh37 (hg19) VCF-style: chr1-160276229-A-G.
Other names: c.1357T>C, p.Cys453Arg (NM_001098398.2); short protein forms C453R.
Identifiers: ClinVar variation 1017187 (VCV001017187.8), dbSNP rs1471394621, ClinGen allele CA343256201.